The following is an entry in ClinVar:

ClinVar aggregate classification (germline): Uncertain significance (1 of 4 stars; one submission).

Conditions:
Catecholaminergic polymorphic ventricular tachycardia 1. Also called: VENTRICULAR TACHYCARDIA, CATECHOLAMINERGIC POLYMORPHIC, 1, WITH OR WITHOUT ATRIAL DYSFUNCTION AND/OR DILATED CARDIOMYOPATHY; RYR2-Related Catecholaminergic Polymorphic Ventricular Tachycardia; VENTRICULAR TACHYCARDIA, STRESS-INDUCED POLYMORPHIC 1. Identifiers: Orphanet 3286, MedGen C1631597, MONDO:0011484, OMIM 604772.

Submission:

Labcorp Genetics (formerly Invitae), Labcorp
Classification: Uncertain significance for Catecholaminergic polymorphic ventricular tachycardia 1. Last evaluated: 2022-10-17. Review status: criteria provided, single submitter. Criteria: Invitae Variant Classification Sherloc (09022015). Collection method: clinical testing. Allele origin: germline.
Comment: This variant has not been reported in the literature in individuals affected with RYR2-related conditions. In summary, the available evidence is currently insufficient to determine the role of this variant in disease. Therefore, it has been classified as a Variant of Uncertain Significance. This variant is not present in population databases (gnomAD no frequency). This sequence change creates a premature translational stop signal (p.Leu3971Trpfs*15) in the RYR2 gene. It is expected to result in an absent or disrupted protein product. However, the current clinical and genetic evidence is not sufficient to establish whether loss-of-function variants in RYR2 cause disease.

NM_001035.3(RYR2):c.11912_11915del (p.Leu3971fs)

Gene: RYR2 (ryanodine receptor 2; plus strand). Cytogenetic location: 1q43.
Variant type: Deletion.
Coding change: c.11912_11915del on transcript NM_001035.3 (MANE Select); coding-DNA positions 11912 to 11915, 4 bases deleted (TAAT; older notation c.11912_11915delTAAT).
Protein change: p.Leu3971fs; shifts the reading frame from leucine 3971.
Molecular consequence: frameshift variant.
Genome position (GRCh38, 1-based): chr1:237,781,596-237,781,599, TAAT deleted; deleting any 4 consecutive bases within chr1:237,781,593-237,781,599 gives the same sequence; the c. name uses the placement nearest the transcript's 3' end. VCF-style (leftmost placement, unchanged base first): chr1-237781592-GAATT-G. GRCh37 (hg19) VCF-style: chr1-237944892-GAATT-G.
Other names: short protein forms L3971fs.
Identifiers: ClinVar variation 1985829 (VCV001985829.4), dbSNP rs2527740401, ClinGen allele CA2580062433.